The following is an entry in ClinVar:

ClinVar aggregate classification (germline): Likely benign (0 of 4 stars; one submission).

Conditions:
GAPVD1-related disorder. Also called: GAPVD1-related condition.

Allele frequency attached by ClinVar (database versions not stated): TOPMed below 0.00001; gnomAD exomes 0.00004.

Submission:

PreventionGenetics, part of Exact Sciences
Classification: Likely benign for GAPVD1-related condition. Last evaluated: 2021-06-10. Review status: no assertion criteria provided. Collection method: clinical testing. Allele origin: germline.
Comment: This variant is classified as likely benign based on ACMG/AMP sequence variant interpretation guidelines (Richards et al. 2015 PMID: 25741868, with internal and published modifications).

NM_001282680.3(GAPVD1):c.2631T>C (p.His877=)

Gene: GAPVD1 (GTPase activating protein and VPS9 domains 1; plus strand). Cytogenetic location: 9q33.3.
Variant type: single nucleotide variant.
Coding change: c.2631T>C on transcript NM_001282680.3 (MANE Select); coding-DNA position 2631, T replaced by C.
Protein change: p.His877=; no amino-acid change (histidine 877 retained).
Molecular consequence: synonymous variant. On other transcripts: non-coding transcript variant (2).
Genome position (GRCh38, 1-based): chr9:125,337,345, T>C. VCF-style: chr9-125337345-T-C. GRCh37 (hg19) VCF-style: chr9-128099624-T-C.
Other names: c.2631T>C, p.His877= (NM_001282679.2, NM_001330778.3, NM_001354294.2 and 4 more transcripts); c.2568T>C, p.His856= (NM_001282681.3, NM_001330777.3, NM_001354297.2 and 1 more transcripts); c.2712T>C, p.His904= (NM_001354298.2, NM_015635.4).
Identifiers: ClinVar variation 3058670 (VCV003058670.2), dbSNP rs1335251614, ClinGen allele CA467210898.
Genomic context (GRCh38, chr9:125,337,345, plus strand): 5'-CCCAATCCTGGAAGGAGCTGTGGGAGGAAATGAGGCCAGGTTGCCAAACTTTGGTTCCCA[T>C]GTTTTAACTCCAGCTGAAATGGAGGCATTCAAGCAAAGGCATTCTTACCCTGAGAGACTA-3'
Protein context (NP_001269609.1, residues 867-887): NEARLPNFGS[His877=]VLTPAEMEAF